The following is an entry in ClinVar:

ClinVar aggregate classification (germline): Uncertain significance (1 of 4 stars; one submission).

Submission:

Labcorp Genetics (formerly Invitae), Labcorp
Classification: Uncertain significance. Last evaluated: 2025-11-09. Review status: criteria provided, single submitter. Criteria: Invitae Variant Classification Sherloc (09022015). Collection method: clinical testing. Allele origin: germline.
Comment: This sequence change replaces methionine, which is neutral and non-polar, with valine, which is neutral and non-polar, at codon 162 of the AMER1 protein (p.Met162Val). This variant is present in population databases (rs768139000, gnomAD 0.005%), including at least one homozygous and/or hemizygous individual. This variant has not been reported in the literature in individuals affected with AMER1-related conditions. An algorithm developed to predict the effect of missense changes on protein structure and function outputs the following: PolyPhen-2: "Benign". The valine amino acid residue is found in multiple mammalian species, which suggests that this missense change does not adversely affect protein function. In summary, the available evidence is currently insufficient to determine the role of this variant in disease. Therefore, it has been classified as a Variant of Uncertain Significance.

NM_152424.4(AMER1):c.484A>G (p.Met162Val)

Gene: AMER1 (APC membrane recruitment protein 1; minus strand). Cytogenetic location: Xq11.2.
Variant type: single nucleotide variant.
Coding change: c.484A>G on transcript NM_152424.4 (MANE Select); coding-DNA position 484, A replaced by G.
Protein change: p.Met162Val; replaces methionine 162 with valine.
Molecular consequence: missense variant.
Genome position (GRCh38, 1-based): chrX:64,192,803, T>C on the plus strand (A>G on the coding strand, the complement: AMER1 is on the minus strand). VCF-style: chrX-64192803-T-C. GRCh37 (hg19) VCF-style: chrX-63412683-T-C.
Other names: short protein forms M162V.
Identifiers: ClinVar variation 4808550 (VCV004808550.1).
Genomic context (GRCh38, chrX:64,192,803, plus strand): 5'-TCTTCCGGTGACGGCGGATACTGCTAAAAAAGCCTTTTAGGCCTTTCTTTGGCTTGGGCA[T>C]AGAGGGAAACTTCTCAGCCACAGCTTTCTCTGTGGCTCCAGCCACAGATGTCTTACATCT-3'
Protein context (NP_689637.3, residues 152-172): EKAVAEKFPS[Met162Val]PKPKKGLKGF